The following is an entry in ClinVar:

ClinVar aggregate classification (germline): Uncertain significance. Review status: criteria provided, multiple submitters, no conflicts (2 of 4 stars). 2 submissions from 2 submitters: Uncertain significance (2). Last evaluated 2026-07-11.

Conditions:
Inborn genetic diseases. Identifiers: MedGen C0950123, MeSH D030342.

Allele frequency attached by ClinVar (database versions not stated): TOPMed below 0.00001; gnomAD exomes below 0.00001.
gnomAD v4.1: 5 of 1,613,980 alleles (0.00031%); highest among the groups gnomAD compares: Non-Finnish European, 0.00042%; no homozygotes.

Submissions (2):

Ambry Genetics
Classification: Uncertain significance for Inborn genetic diseases. Last evaluated: 2026-07-11. Review status: criteria provided, single submitter. Criteria: Ambry Variant Classification Scheme 2023. Collection method: clinical testing. Allele origin: germline.
Comment: The p.P975S variant (also known as c.2923C>T), located in coding exon 13 of the F5 gene, results from a C to T substitution at nucleotide position 2923. The proline at codon 975 is replaced by serine, an amino acid with similar properties. This amino acid position is conserved. In addition, this alteration is predicted to be tolerated by in silico analysis. Based on the available evidence, the clinical significance of this variant remains unclear.

GeneDx
Classification: Uncertain significance. Last evaluated: 2021-04-16. Review status: criteria provided, single submitter. Criteria: GeneDx Variant Classification Process June 2021. Collection method: clinical testing. Allele origin: germline. Affected: yes.
Comment: Not observed in large population cohorts (Lek et al., 2016); In silico analysis supports that this missense variant has a deleterious effect on protein structure/function; Has not been previously published as pathogenic or benign to our knowledge

NM_000130.5(F5):c.2923C>T (p.Pro975Ser)

Gene: F5 (coagulation factor V; minus strand). Cytogenetic location: 1q24.2.
Variant type: single nucleotide variant.
Coding change: c.2923C>T on transcript NM_000130.5 (MANE Select); coding-DNA position 2923, C replaced by T.
Protein change: p.Pro975Ser; replaces proline 975 with serine.
Molecular consequence: missense variant.
Genome position (GRCh38, 1-based): chr1:169,542,167, G>A on the plus strand (C>T on the coding strand, the complement: F5 is on the minus strand). VCF-style: chr1-169542167-G-A. GRCh37 (hg19) VCF-style: chr1-169511405-G-A.
Other names: short protein forms P975S.
Identifiers: ClinVar variation 1314611 (VCV001314611.3), dbSNP rs199734164, ClinGen allele CA32385449.